The following is an entry in ClinVar:

NM_000257.4(MYH7):c.5530G>A (p.Glu1844Lys)

Gene: MYH7 (myosin heavy chain 7; minus strand). Cytogenetic location: 14q11.2.
Variant type: single nucleotide variant.
Coding change: c.5530G>A on transcript NM_000257.4 (MANE Select); coding-DNA position 5530, G replaced by A.
Protein change: p.Glu1844Lys; replaces glutamic acid 1844 with lysine.
Molecular consequence: missense variant.
Genome position (GRCh38, 1-based): chr14:23,415,024, C>T on the plus strand (G>A on the coding strand, the complement: MYH7 is on the minus strand). VCF-style: chr14-23415024-C-T. GRCh37 (hg19) VCF-style: chr14-23884233-C-T.
Other names: p.E1844K:GAG>AAG; NM_000257.4(MYH7):c.5530G>A; p.Glu1844Lys; c.5530G>A (LRG_384t1); short protein forms E1844K.
Identifiers: ClinVar variation 181285 (VCV000181285.29), dbSNP rs730880821, ClinGen allele CA016196.
Genomic context (GRCh38, chr14:23,415,024, plus strand): 5'-GGGCTCTGCCTGGAGTCACCGCCCGTCGCACCTGGTAGGTGAGCTCCTTGATGCGCCGCT[C>T]GCTCTTCCTCATGCCCTTCACCGACTCTGCGTTGCGCTTCTGCTCGGCCTCCAGCTCATT-3'
Protein context (NP_000248.2, residues 1834-1854): AESVKGMRKS[Glu1844Lys]RRIKELTYQT

ClinVar aggregate classification (germline): Uncertain significance. Review status: reviewed by expert panel (3 of 4 stars). 9 submissions from 9 submitters: Uncertain significance (1). 8 of the submissions do not count toward it. Last evaluated 2021-10-05.

Conditions:
Cardiovascular phenotype. Identifiers: MedGen CN230736.
Myosin storage myopathy (CMYO7A). Also called: MYOPATHY, HYALINE BODY, AUTOSOMAL DOMINANT; Scapuloperoneal myopathy, MYH7-related; MYH7-related late-onset scapuloperoneal muscular dystrophy; Congenital myopathy 7A, myosin storage, autosomal dominant; MYOPATHY WITH LYSIS OF TYPE I MYOFIBRILS; SCAPULOPERONEAL MUSCULAR DYSTROPHY. Identifiers: Orphanet 437572, Orphanet 636965, MedGen C1842160, MONDO:0008409, OMIM 608358.
Myopathy, myosin storage, autosomal recessive (CMYO7B). Also called: CONGENITAL MYOPATHY 7B, MYOSIN STORAGE, AUTOSOMAL RECESSIVE. Identifiers: Orphanet 636970, MedGen C1850709, MONDO:0009708, OMIM 255160.
Hypertrophic cardiomyopathy 1 (CMH1). Also called: Familial hypertrophic cardiomyopathy 1; MYH7-Related Familial Hypertrophic Cardiomyopathy. Identifiers: MedGen C3495498, MONDO:0008647, OMIM 192600.
MYH7-related skeletal myopathy. Also called: Myopathy, distal, 1; MYOPATHY, DISTAL, EARLY-ONSET, AUTOSOMAL DOMINANT; MYOPATHY, LATE DISTAL HEREDITARY; Laing distal myopathy; Laing early-onset distal myopathy. Identifiers: Orphanet 59135, MedGen C4552004, MONDO:0008050, OMIM 160500.
Congenital myopathy with fiber type disproportion. Also called: Congenital fiber-type disproportion; Congenital fiber-type disproportion myopathy. Identifiers: Orphanet 2020, MedGen C0546264, MONDO:0009711. Inheritance: all.
Dilated cardiomyopathy 1S (CMD1S). Identifiers: Orphanet 154, Orphanet 54260, MedGen C1834481, MONDO:0013262, OMIM 613426.
Primary dilated cardiomyopathy (DCM). Also called: Dilated Cardiomyopathy. Identifiers: Orphanet 217604, MedGen C0007193, MeSH D002311, MONDO:0005021, HP:0001644. Inheritance: Various modes of inheritance.
Hypertrophic cardiomyopathy. Also called: HYPERTROPHIC MYOCARDIOPATHY. Identifiers: Orphanet 217569, MedGen C0007194, MeSH D002312, MONDO:0005045, HP:0001639.

Allele frequency attached by ClinVar (database versions not stated): gnomAD exomes below 0.00001 and 0.00001; ExAC 0.00001; gnomAD 0.00001; TOPMed 0.00001.
gnomAD v4.1: 9 of 1,610,424 alleles (0.00056%); highest among the groups gnomAD compares: African/African-American, 0.0053%; no homozygotes.

Submissions (9):

ClinGen Cardiomyopathy Variant Curation Expert Panel
Classification: Uncertain significance for Primary dilated cardiomyopathy. Last evaluated: 2021-10-05. Review status: reviewed by expert panel. Criteria: ClinGen CMP ACMG Specifications v1. Collection method: curation. Allele origin: germline. Inheritance: Autosomal dominant inheritance.
Comment: The c.5530G>A (p.Glu1844Lys) variant in MYH7 has been reported in 2 individuals with DCM, 1 individual with HCM and in 1 individual with LVNC (PS4_supporting; Walsh 2017 PMID:27532257, GeneDx pers. comm.). This variant has been identified in 0.0099% (1/10078) of Ashkenazi Jewish chromosomes, but is absent from all other populations in gnomAD v2.1.1 (PM2). Computational prediction tools and conservation analysis suggest that this variant may impact the protein (PP3). In summary, due to lack of sufficient evidence, this variant meets criteria to be classified as uncertain significance for dilated cardiomyopathy in an autosomal dominant manner. MYH7-specific ACMG/AMP criteria applied (Kelly 2018 PMID:29300372): PP3; PM2; PS4_Supporting

Molecular Diagnostic Laboratory for Inherited Cardiovascular Disease, Montreal Heart Institute
Classification: Uncertain significance for Cardiovascular phenotype. Last evaluated: 2026-03-27. Review status: criteria provided, single submitter. Criteria: ACMG Guidelines, 2015. Collection method: clinical testing. Allele origin: germline. Affected: yes. Not counted in ClinVar's aggregate classification.
Comment: PS4_supp, PM2, PP3

Labcorp Genetics (formerly Invitae), Labcorp
Classification: Uncertain significance for Hypertrophic cardiomyopathy. Last evaluated: 2026-01-18. Review status: criteria provided, single submitter. Criteria: Invitae Variant Classification Sherloc (09022015). Collection method: clinical testing. Allele origin: germline. Not counted in ClinVar's aggregate classification.
Comment: This sequence change replaces glutamic acid, which is acidic and polar, with lysine, which is basic and polar, at codon 1844 of the MYH7 protein (p.Glu1844Lys). This variant is present in population databases (rs730880821, gnomAD 0.01%). This missense change has been observed in individual(s) with dilated cardiomyopathy (PMID: 27532257, 37652022). ClinVar contains an entry for this variant (Variation ID: 181285). Invitae Evidence Modeling of protein sequence and biophysical properties (such as structural, functional, and spatial information, amino acid conservation, physicochemical variation, residue mobility, and thermodynamic stability) indicates that this missense variant is expected to disrupt MYH7 protein function with a positive predictive value of 95%. In summary, the available evidence is currently insufficient to determine the role of this variant in disease. Therefore, it has been classified as a Variant of Uncertain Significance.

Ambry Genetics
Classification: Uncertain significance for Cardiovascular phenotype. Last evaluated: 2024-04-15. Review status: criteria provided, single submitter. Criteria: Ambry Variant Classification Scheme 2023. Collection method: clinical testing. Allele origin: germline. Not counted in ClinVar's aggregate classification.
Comment: The p.E1844K variant (also known as c.5530G>A), located in coding exon 35 of the MYH7 gene, results from a G to A substitution at nucleotide position 5530. The glutamic acid at codon 1844 is replaced by lysine, an amino acid with similar properties. This variant was detected in a cardiomyopathy genetic testing cohort; however clinical details were not provided (Walsh R et al. Genet. Med., 2017 02;19:192-203). This amino acid position is highly conserved in available vertebrate species. In addition, this alteration is predicted to be deleterious by in silico analysis. Since supporting evidence is limited at this time, the clinical significance of this alteration remains unclear.

Blueprint Genetics
Classification: Uncertain significance. Last evaluated: 2023-11-23. Review status: criteria provided, single submitter. Criteria: ACMG Guidelines, 2015. Collection method: clinical testing. Allele origin: germline. Not counted in ClinVar's aggregate classification.

Fulgent Genetics
Classification: Uncertain significance for MYH7-related skeletal myopathy; Myosin storage myopathy; Hypertrophic cardiomyopathy 1; Myopathy, myosin storage, autosomal recessive; Congenital myopathy 4A, autosomal dominant; Dilated cardiomyopathy 1S. Last evaluated: 2021-11-02. Review status: criteria provided, single submitter. Criteria: ACMG Guidelines, 2015. Collection method: clinical testing. Allele origin: unknown. Not counted in ClinVar's aggregate classification.

AiLife Diagnostics
Classification: Uncertain significance. Last evaluated: 2021-09-22. Review status: criteria provided, single submitter. Criteria: ACMG Guidelines, 2015. Collection method: clinical testing. Allele origin: germline. Affected: yes. Observed: 1 variant allele. Not counted in ClinVar's aggregate classification.

Revvity Omics, Revvity
Classification: Uncertain significance. Last evaluated: 2020-10-08. Review status: criteria provided, single submitter. Criteria: ACMG Guidelines, 2015. Collection method: clinical testing. Allele origin: germline. Not counted in ClinVar's aggregate classification.

GeneDx
Classification: Likely pathogenic. Last evaluated: 2014-12-29. Review status: criteria provided, single submitter. Criteria: GeneDx Variant Classification (06012015). Collection method: clinical testing. Allele origin: germline. Affected: yes. Not counted in ClinVar's aggregate classification.
Comment: The Glu1844Lys variant in the MYH7 gene has not been reported as a disease-causing mutation or as a benign polymorphism to our knowledge. Glu1844Lys results in a non-conservative amino acid substitution of a negatively charged Glutamic acid with a positively charged Lysine at a position that is conserved across species. In silico analysis predicts Glu1844Lys is damaging to the protein structure/function. Mutations in nearby residues (Ser1836Leu, Arg1845Trp, Arg1846Cys, Thr1854Met) have been reported in association with cardiomyopathy, further supporting the functional importance of this region of the protein. Furthermore, the Glu1844Lys variant was not observed in approximately 6,500 individuals of European and African American ancestry in the NHLBI Exome Sequencing Project, indicating it is not a common benign variant in these populations. In summary, while Glu1844Lys is a good candidate for a disease-causing mutation, with the clinical and molecular information available at this time we cannot unequivocally determine the clinical significance of this variant. The variant is found in DCM panel(s).

Literature cited by the submitters: PubMed 27532257 (cited by 3 submitters); PubMed 37652022 (cited by Labcorp Genetics (formerly Invitae), Labcorp).